The following is an entry in ClinVar:

ClinVar aggregate classification (germline): Pathogenic (1 of 4 stars; one submission).

Conditions:
Multiple endocrine neoplasia, type 2 (MEN2). Identifiers: Orphanet 653, MedGen C4048306, MONDO:0019003. Disease mechanism: gain of function.

Submission:

Labcorp Genetics (formerly Invitae), Labcorp
Classification: Pathogenic for Multiple endocrine neoplasia, type 2. Last evaluated: 2024-03-06. Review status: criteria provided, single submitter. Criteria: Invitae Variant Classification Sherloc (09022015). Collection method: clinical testing. Allele origin: germline.
Comment: This sequence change creates a premature translational stop signal (p.Ser224*) in the RET gene. It is expected to result in an absent or disrupted protein product. Loss-of-function variants in RET are known to be pathogenic (PMID: 22174939, 22648184). This variant is not present in population databases (gnomAD no frequency). This variant has not been reported in the literature in individuals affected with RET-related conditions. For these reasons, this variant has been classified as Pathogenic.

Literature cited by the submitters: PubMed 22174939; PubMed 22648184.

NM_020975.6(RET):c.668_669dup (p.Ser224Ter)

Gene: RET (ret proto-oncogene; plus strand). Cytogenetic location: 10q11.21.
Variant type: Duplication.
Coding change: c.668_669dup on transcript NM_020975.6 (MANE Select); coding-DNA positions 668 to 669, 2 bases duplicated (TG; older notation c.668_669dupTG).
Protein change: p.Ser224Ter; replaces serine 224 with a stop codon.
Molecular consequence: nonsense. On other transcripts: intron variant (22), 5 prime UTR variant (1).
Genome position (GRCh38, 1-based): chr10:43,104,994-43,104,995, TG duplicated; duplicating any 2 consecutive bases within chr10:43,104,993-43,104,995 gives the same sequence; the c. name uses the placement nearest the transcript's 3' end. VCF-style (leftmost placement, unchanged base first): chr10-43104992-G-GGT. GRCh37 (hg19) VCF-style: chr10-43600440-G-GGT.
Other names: c.380_381dup, p.Ser128Ter (NM_001406770.1, NM_001406766.1, NM_001406767.1); c.668_669dup, p.Ser224Ter (NM_001406772.1, NM_020630.7, NM_001406743.1 and 6 more transcripts); c.539_540dup, p.Ser181Ter (NM_001406774.1, NM_001406761.1, NM_001406762.1 and 2 more transcripts); c.625+2365_625+2366dup (NM_001406773.1, NM_001406771.1, NM_001406782.1 and 5 more transcripts); c.496+2365_496+2366dup (NM_001406786.1, NM_001406783.1); c.338-4037_338-4036dup (NM_001406778.1, NM_001406775.1, NM_001406776.1 and 1 more transcripts); c.337+4272_337+4273dup (NM_001406790.1, NM_001406788.1, NM_001406789.1 and 1 more transcripts); c.-95_-94dup (NM_001355216.2); and 2 more; short protein forms S128*, S181*, S224*.
Identifiers: ClinVar variation 3644687 (VCV003644687.2).
Genomic context (GRCh38, chr10:43,104,992, plus strand): 5'-CCTGTCTGCTTGGTGCGCAGGTGAGGGTCTGCCCTTCCGCTGCGCCCCGGACAGCCTGGA[G>GGT]GTGAGCACGCGCTGGGCCCTGGACCGCGAGCAGCGGGAGAAGTACGAGCTGGTGGCCGTG-3'